The following is an entry in ClinVar:

NM_001242896.3(DEPDC5):c.2519T>A (p.Leu840His)

Gene: DEPDC5 (DEP domain containing 5, GATOR1 subcomplex subunit; plus strand). Cytogenetic location: 22q12.3.
Variant type: single nucleotide variant.
Coding change: c.2519T>A on transcript NM_001242896.3 (MANE Select); coding-DNA position 2519, T replaced by A.
Protein change: p.Leu840His; replaces leucine 840 with histidine.
Molecular consequence: missense variant. On other transcripts: non-coding transcript variant (5).
Genome position (GRCh38, 1-based): chr22:31,843,098, T>A. VCF-style: chr22-31843098-T-A. GRCh37 (hg19) VCF-style: chr22-32239084-T-A.
Other names: c.2492T>A, p.Leu831His (NM_001136029.4, NM_001369903.1, NM_014662.6); c.2285T>A, p.Leu762His (NM_001242897.2, NM_001363854.2, NM_001364319.2); c.2519T>A, p.Leu840His (NM_001363852.2, NM_001364318.2, NM_001364320.2); c.2435T>A, p.Leu812His (NM_001369901.1, NM_001369902.1); short protein forms L762H, L812H, L831H, L840H.
Identifiers: ClinVar variation 1058510 (VCV001058510.9), dbSNP rs746197380, ClinGen allele CA411288220.

ClinVar aggregate classification (germline): Uncertain significance (1 of 4 stars; one submission).

Conditions:
Familial focal epilepsy with variable foci (FPEVF). Identifiers: Orphanet 98820, MedGen C1858477, MONDO:0020310.

Allele frequency attached by ClinVar (database versions not stated): gnomAD 0.00001.
gnomAD v4.1: 2 of 1,612,138 alleles (0.00012%); highest among the groups gnomAD compares: African/African-American, 0.0027%; no homozygotes.

Submission:

Labcorp Genetics (formerly Invitae), Labcorp
Classification: Uncertain significance for Familial focal epilepsy with variable foci. Last evaluated: 2025-08-04. Review status: criteria provided, single submitter. Criteria: Invitae Variant Classification Sherloc (09022015). Collection method: clinical testing. Allele origin: germline.
Comment: This sequence change replaces leucine, which is neutral and non-polar, with histidine, which is basic and polar, at codon 840 of the DEPDC5 protein (p.Leu840His). This variant is not present in population databases (gnomAD no frequency). This variant has not been reported in the literature in individuals affected with DEPDC5-related conditions. ClinVar contains an entry for this variant (Variation ID: 1058510). Experimental studies and prediction algorithms are not available or were not evaluated, and the functional significance of this variant is currently unknown. In summary, the available evidence is currently insufficient to determine the role of this variant in disease. Therefore, it has been classified as a Variant of Uncertain Significance.